The following is an entry in ClinVar:

NM_000304.4(PMP22):c.316G>A (p.Ala106Thr)

Gene: PMP22 (peripheral myelin protein 22; minus strand). Cytogenetic location: 17p12.
Variant type: single nucleotide variant.
Coding change: c.316G>A on transcript NM_000304.4 (MANE Select); coding-DNA position 316, G replaced by A.
Protein change: p.Ala106Thr; replaces alanine 106 with threonine.
Molecular consequence: missense variant. On other transcripts: non-coding transcript variant (2).
Genome position (GRCh38, 1-based): chr17:15,239,474, C>T on the plus strand (G>A on the coding strand, the complement: PMP22 is on the minus strand). VCF-style: chr17-15239474-C-T. GRCh37 (hg19) VCF-style: chr17-15142791-C-T.
Other names: c.316G>A, p.Ala106Thr (NM_001281455.2, NM_001281456.2, NM_001330143.2 and 2 more transcripts); short protein forms A106T.
Identifiers: ClinVar variation 2717059 (VCV002717059.3), dbSNP rs368223794, ClinGen allele CA8403368.

ClinVar aggregate classification (germline): Uncertain significance (1 of 4 stars; one submission).

Conditions:
Charcot-Marie-Tooth disease, type I (CMT1). Also called: Charcot-Marie-Tooth, Type 1; Charcot-Marie-Tooth disease type 1. Identifiers: Orphanet 65753, MedGen C0751036, MONDO:0019011.

Allele frequency attached by ClinVar (database versions not stated): ExAC 0.00001; gnomAD 0.00001; TOPMed 0.00001; ESP Exome Variant Server 0.00008.
gnomAD v4.1: 1 of 1,614,080 alleles (0.000062%); highest among the groups gnomAD compares: African/African-American, 0.0013%; no homozygotes.

Submission:

Labcorp Genetics (formerly Invitae), Labcorp
Classification: Uncertain significance for Charcot-Marie-Tooth disease, type I. Last evaluated: 2025-09-16. Review status: criteria provided, single submitter. Criteria: Invitae Variant Classification Sherloc (09022015). Collection method: clinical testing. Allele origin: germline.
Comment: This sequence change replaces alanine, which is neutral and non-polar, with threonine, which is neutral and polar, at codon 106 of the PMP22 protein (p.Ala106Thr). This variant is present in population databases (rs368223794, gnomAD 0.007%). This variant has not been reported in the literature in individuals affected with PMP22-related conditions. ClinVar contains an entry for this variant (Variation ID: 2717059). An algorithm developed to predict the effect of missense changes on protein structure and function (PolyPhen-2) suggests that this variant is likely to be disruptive. In summary, the available evidence is currently insufficient to determine the role of this variant in disease. Therefore, it has been classified as a Variant of Uncertain Significance.